The following is an entry in ClinVar:

NM_003647.3(DGKE):c.611C>A (p.Thr204Lys)

Gene: DGKE (diacylglycerol kinase epsilon; plus strand). Cytogenetic location: 17q22.
Variant type: single nucleotide variant.
Coding change: c.611C>A on transcript NM_003647.3 (MANE Select); coding-DNA position 611, C replaced by A.
Protein change: p.Thr204Lys; replaces threonine 204 with lysine.
Molecular consequence: missense variant.
Genome position (GRCh38, 1-based): chr17:56,844,165, C>A. VCF-style: chr17-56844165-C-A. GRCh37 (hg19) VCF-style: chr17-54921526-C-A.
Other names: p.Thr204Lys; short protein forms T204K.
Identifiers: ClinVar variation 3380506 (VCV003380506.1).

ClinVar aggregate classification (germline): Uncertain significance (1 of 4 stars; one submission).

Submission:

Mayo Clinic Laboratories, Mayo Clinic
Classification: Uncertain significance. Last evaluated: 2024-04-24. Review status: criteria provided, single submitter. Criteria: ACMG Guidelines, 2015. Collection method: clinical testing. Allele origin: germline. Observed: 2 variant alleles.
Comment: BP4